The following is an entry in ClinVar:

ClinVar aggregate classification (germline): Uncertain significance (1 of 4 stars; one submission).

Conditions:
Bethlem myopathy 1A. Also called: Bethlem Muscular Dystrophy; Bethlem myopathy 1; MYOPATHY, BENIGN CONGENITAL, WITH CONTRACTURES. Identifiers: Orphanet 610, MedGen CN029274, MONDO:0024530, OMIM 158810.

gnomAD v4.1: 16 of 1,613,186 alleles (0.00099%); highest among the groups gnomAD compares: East Asian, 0.036%; no homozygotes.

Submission:

Labcorp Genetics (formerly Invitae), Labcorp
Classification: Uncertain significance for Bethlem myopathy 1A. Last evaluated: 2022-06-10. Review status: criteria provided, single submitter. Criteria: Invitae Variant Classification Sherloc (09022015). Collection method: clinical testing. Allele origin: germline.
Comment: In summary, the available evidence is currently insufficient to determine the role of this variant in disease. Therefore, it has been classified as a Variant of Uncertain Significance. Advanced modeling of protein sequence and biophysical properties (such as structural, functional, and spatial information, amino acid conservation, physicochemical variation, residue mobility, and thermodynamic stability) performed at Invitae indicates that this missense variant is not expected to disrupt COL6A3 protein function. This variant has not been reported in the literature in individuals affected with COL6A3-related conditions. This variant is present in population databases (rs577927810, gnomAD 0.03%). This sequence change replaces glutamic acid, which is acidic and polar, with aspartic acid, which is acidic and polar, at codon 1247 of the COL6A3 protein (p.Glu1247Asp).

NM_004369.4(COL6A3):c.3741G>T (p.Glu1247Asp)

Gene: COL6A3 (collagen type VI alpha 3 chain; minus strand). Cytogenetic location: 2q37.3.
Variant type: single nucleotide variant.
Coding change: c.3741G>T on transcript NM_004369.4 (MANE Select); coding-DNA position 3741, G replaced by T.
Protein change: p.Glu1247Asp; replaces glutamic acid 1247 with aspartic acid.
Molecular consequence: missense variant.
Genome position (GRCh38, 1-based): chr2:237,372,276, C>A on the plus strand (G>T on the coding strand, the complement: COL6A3 is on the minus strand). VCF-style: chr2-237372276-C-A. GRCh37 (hg19) VCF-style: chr2-238280919-C-A.
Other names: c.2520G>T, p.Glu840Asp (NM_057164.5); c.3123G>T, p.Glu1041Asp (NM_057165.5, NM_057167.4); c.1920G>T, p.Glu640Asp (NM_057166.5); short protein forms E1041D, E840D, E1247D, E640D.
Identifiers: ClinVar variation 2144463 (VCV002144463.4), dbSNP rs577927810, ClinGen allele CA2189086.